The following is an entry in ClinVar:

NM_206937.2(LIG4):c.1236T>A (p.Asn412Lys)

Gene: LIG4 (DNA ligase 4; minus strand). Cytogenetic location: 13q33.3.
Variant type: single nucleotide variant.
Coding change: c.1236T>A on transcript NM_206937.2 (MANE Select); coding-DNA position 1236, T replaced by A.
Protein change: p.Asn412Lys; replaces asparagine 412 with lysine.
Molecular consequence: missense variant.
Genome position (GRCh38, 1-based): chr13:108,210,033, A>T on the plus strand (T>A on the coding strand, the complement: LIG4 is on the minus strand). VCF-style: chr13-108210033-A-T. GRCh37 (hg19) VCF-style: chr13-108862381-A-T.
Other names: c.1236T>A, p.Asn412Lys (NM_001098268.2, NM_001352598.2, NM_001352599.2 and 6 more transcripts); c.1035T>A, p.Asn345Lys (NM_001330595.2); c.1272T>A, p.Asn424Lys (NM_001352604.2); short protein forms N345K, N412K, N424K.
Identifiers: ClinVar variation 966037 (VCV000966037.16), dbSNP rs755358293, ClinGen allele CA7043727.

ClinVar aggregate classification (germline): Conflicting classifications of pathogenicity. Review status: criteria provided, conflicting classifications (1 of 4 stars). 3 submissions from 3 submitters: Uncertain significance (1); Likely benign (2). Last evaluated 2026-01-22.

Conditions:
DNA ligase IV deficiency. Identifiers: Orphanet 99812, MedGen C1847827, MONDO:0011686, OMIM 606593.

Allele frequency attached by ClinVar (database versions not stated): gnomAD 0.00001; TOPMed 0.00001; gnomAD exomes 0.00002 and 0.00010; ExAC 0.00011.
gnomAD v4.1: 29 of 1,612,188 alleles (0.0018%); highest among the groups gnomAD compares: Admixed American, 0.048%; no homozygotes.

Submissions (3):

Labcorp Genetics (formerly Invitae), Labcorp
Classification: Likely benign for DNA ligase IV deficiency. Last evaluated: 2026-01-22. Review status: criteria provided, single submitter. Criteria: Invitae Variant Classification Sherloc (09022015). Collection method: clinical testing. Allele origin: germline.

Women's Health and Genetics/Laboratory Corporation of America, LabCorp
Classification: Likely benign. Last evaluated: 2023-06-30. Review status: criteria provided, single submitter. Criteria: LabCorp Variant Classification Summary - May 2015. Collection method: clinical testing. Allele origin: germline.
Comment: Variant summary: LIG4 c.1236T>A (p.Asn412Lys) results in a non-conservative amino acid change located in the central domain (IPR012310) of the encoded protein sequence. Four of five in-silico tools predict a benign effect of the variant on protein function. The variant allele was found at a frequency of 0.0001 in 249860 control chromosomes, predominantly at a frequency of 0.00072 within the Latino subpopulation in the gnomAD database. The observed variant frequency within Latino control individuals in the gnomAD database is approximately 2.036 fold of the estimated maximal expected allele frequency for a pathogenic variant in LIG4 causing Severe Combined Immunodeficiency phenotype (0.00035), strongly suggesting that the variant is a benign polymorphism found primarily in populations of Latino origin. c.1236T>A has been reported in the literature in at least one individual affected with features of LIG4 deficiency (e.g., Boone_2019), however without strong evidence for causality (e.g., inconsistencies in described genotype and lack of co-segregation data). This report therefore does not provide unequivocal conclusions about association of the variant with Severe Combined Immunodeficiency. To our knowledge, no experimental evidence demonstrating an impact on protein function has been reported. The following publication was ascertained in the context of this evaluation (PMID: 30719430). Two submitters have reported clinical-significance assessments for this variant to ClinVar after 2014. One submitter classified the variant as likely benign, and one submitter classified the variant as uncertain significance. Based on the evidence outlined above, the variant was classified as likely benign.

Mayo Clinic Laboratories, Mayo Clinic
Classification: Uncertain significance. Last evaluated: 2020-10-29. Review status: criteria provided, single submitter. Criteria: ACMG Guidelines, 2015. Collection method: clinical testing. Allele origin: germline. Observed: 1 variant allele.

Literature cited by the submitters: PubMed 30719430 (cited by Women's Health and Genetics/Laboratory Corporation of America, LabCorp).